The following is an entry in ClinVar:

NM_000051.4(ATM):c.5996T>C (p.Ile1999Thr)

Genes: ATM (ATM serine/threonine kinase; plus strand), C11orf65 (chromosome 11 open reading frame 65; minus strand). Cytogenetic location: 11q22.3.
Variant type: single nucleotide variant.
Coding change: c.5996T>C on transcript NM_000051.4 (MANE Select); coding-DNA position 5996, T replaced by C.
Protein change: p.Ile1999Thr; replaces isoleucine 1999 with threonine.
Molecular consequence: missense variant. On other transcripts: intron variant (2).
Genome position (GRCh38, 1-based): chr11:108,312,488, T>C. VCF-style: chr11-108312488-T-C. GRCh37 (hg19) VCF-style: chr11-108183215-T-C.
Other names: c.5996T>C, p.Ile1999Thr (NM_001351834.2); c.641-3417A>G (NM_001330368.2); c.*39-3417A>G (NM_001351110.2); short protein forms I1999T.
Identifiers: ClinVar variation 2849432 (VCV002849432.3), dbSNP rs2136063107, ClinGen allele CA382548796.

ClinVar aggregate classification (germline): Uncertain significance (1 of 4 stars; one submission).

Conditions:
Ataxia-telangiectasia syndrome (AT). Also called: LOUIS-BAR SYNDROME; Cerebello-oculocutaneous telangiectasia; Immunodeficiency with ataxia telangiectasia; Ataxia telangiectasia (A-T); Ataxia-telangiectasia, complementation group D; AT, COMPLEMENTATION GROUP C. Identifiers: Orphanet 100, MedGen C0004135, MONDO:0008840, OMIM 208900.

Submission:

Labcorp Genetics (formerly Invitae), Labcorp
Classification: Uncertain significance for Ataxia-telangiectasia syndrome. Last evaluated: 2023-03-26. Review status: criteria provided, single submitter. Criteria: Invitae Variant Classification Sherloc (09022015). Collection method: clinical testing. Allele origin: germline.
Comment: This sequence change replaces isoleucine, which is neutral and non-polar, with threonine, which is neutral and polar, at codon 1999 of the ATM protein (p.Ile1999Thr). This variant is not present in population databases (gnomAD no frequency). This variant has not been reported in the literature in individuals affected with ATM-related conditions. An algorithm developed to predict the effect of missense changes on protein structure and function (PolyPhen-2) suggests that this variant is likely to be tolerated. In summary, the available evidence is currently insufficient to determine the role of this variant in disease. Therefore, it has been classified as a Variant of Uncertain Significance.